The following is an entry in ClinVar:

NM_198334.3(GANAB):c.1951TTC[1] (p.Phe652del)

Gene: GANAB (glucosidase II alpha subunit; minus strand). Cytogenetic location: 11q12.3.
Variant type: Microsatellite.
Coding change: c.1951TTC[1] on transcript NM_198334.3 (MANE Select); one copy of the 3-base unit TTC starting at c.1951; the reference has two copies in a row; one copy, 3 bases deleted; also written c.1954_1956del.
Protein change: p.Phe652del; deletes phenylalanine 652.
Molecular consequence: inframe deletion.
Genome position (GRCh38, 1-based): chr11:62,628,993-62,628,995, GAA deleted on the plus strand (TTC on the coding strand, the reverse complement: GANAB is on the minus strand); deleting any 3 consecutive bases within chr11:62,628,993-62,628,999 gives the same sequence; the position shown is the placement nearest the transcript's 3' end. VCF-style (leftmost placement, unchanged base first): chr11-62628992-TGAA-T. GRCh37 (hg19) VCF-style: chr11-62396464-TGAA-T.
Other names: c.1675TTC[1], p.Phe560del (NM_001278192.2); c.1609TTC[1], p.Phe538del (NM_001278193.2); c.1660TTC[1], p.Phe555del (NM_001278194.2, NM_001329222.2, NM_001329223.2); c.1954_1956del (NM_198334.3); c.1228TTC[1], p.Phe411del (NM_001329224.2, NM_001329225.2); c.2017TTC[1], p.Phe674del (NM_198335.4); short protein forms F411del, F538del, F555del, F560del, F652del, F674del.
Identifiers: ClinVar variation 1526056 (VCV001526056.1), dbSNP rs2134469853, ClinGen allele CA2580615708.

ClinVar aggregate classification (germline): Uncertain significance (1 of 4 stars; one submission).

Conditions:
Polycystic kidney disease 3 with or without polycystic liver disease. Also called: Polycystic kidney disease 3; Polycystic Kidney and/or Polycystic Liver Disease 3; POLYCYSTIC KIDNEY DISEASE, ADULT, TYPE III. Identifiers: MedGen C3887964, MONDO:0010916, OMIM 600666.

Submission:

3billion
Classification: Uncertain significance for Polycystic kidney disease 3 with or without polycystic liver disease. Last evaluated: 2022-03-22. Review status: criteria provided, single submitter. Criteria: ACMG Guidelines, 2015. Collection method: clinical testing. Allele origin: germline. Affected: yes. Observed: 1 heterozygote.
Comment: Inframe deletion located in a nonrepeat region: predicted to change the length of the protein and disrupt normal protein function.It is not observed in the gnomAD v2.1.1 dataset. Therefore, this variant is classified as uncertain significance according to the recommendation of ACMG/AMP guideline.